The following is an entry in ClinVar:

ClinVar aggregate classification (germline): Uncertain significance (1 of 4 stars; one submission).

Conditions:
Facioscapulohumeral muscular dystrophy 2 (FSHD2). Also called: MUSCULAR DYSTROPHY, FACIOSCAPULOHUMERAL, TYPE 1B; FACIOSCAPULOHUMERAL MUSCULAR DYSTROPHY 2, DIGENIC; FSHD2, DIGENIC. Identifiers: Orphanet 269, MedGen C1834671, MONDO:0008031, OMIM 158901.

Allele frequency attached by ClinVar (database versions not stated): TOPMed below 0.00001; gnomAD 0.00001.
gnomAD v4.1: 4 of 1,613,458 alleles (0.00025%); highest among the groups gnomAD compares: Non-Finnish European, 0.00034%; no homozygotes.

Submission:

Labcorp Genetics (formerly Invitae), Labcorp
Classification: Uncertain significance for Facioscapulohumeral muscular dystrophy 2. Last evaluated: 2025-02-17. Review status: criteria provided, single submitter. Criteria: Invitae Variant Classification Sherloc (09022015). Collection method: clinical testing. Allele origin: germline.
Comment: This sequence change replaces histidine, which is basic and polar, with arginine, which is basic and polar, at codon 416 of the SMCHD1 protein (p.His416Arg). This variant is not present in population databases (gnomAD no frequency). This variant has not been reported in the literature in individuals affected with SMCHD1-related conditions. ClinVar contains an entry for this variant (Variation ID: 946083). Invitae Evidence Modeling of protein sequence and biophysical properties (such as structural, functional, and spatial information, amino acid conservation, physicochemical variation, residue mobility, and thermodynamic stability) indicates that this missense variant is not expected to disrupt SMCHD1 protein function with a negative predictive value of 80%. In summary, the available evidence is currently insufficient to determine the role of this variant in disease. Therefore, it has been classified as a Variant of Uncertain Significance.

NM_015295.3(SMCHD1):c.1247A>G (p.His416Arg)

Gene: SMCHD1 (structural maintenance of chromosomes flexible hinge domain containing 1; plus strand). Cytogenetic location: 18p11.32.
Variant type: single nucleotide variant.
Coding change: c.1247A>G on transcript NM_015295.3 (MANE Select); coding-DNA position 1247, A replaced by G.
Protein change: p.His416Arg; replaces histidine 416 with arginine.
Molecular consequence: missense variant.
Genome position (GRCh38, 1-based): chr18:2,697,946, A>G. VCF-style: chr18-2697946-A-G. GRCh37 (hg19) VCF-style: chr18-2697944-A-G.
Other names: short protein forms H416R.
Identifiers: ClinVar variation 946083 (VCV000946083.11), dbSNP rs2074319161, ClinGen allele CA401697545.